The following is an entry in ClinVar:

NM_001330.5(CTF1):c.443G>A (p.Arg148His)

Genes: CTF1 (cardiotrophin 1; plus strand), LOC130058878 (ATAC-STARR-seq lymphoblastoid silent region 7400; plus strand). Cytogenetic location: 16p11.2.
Variant type: single nucleotide variant.
Coding change: c.443G>A on transcript NM_001330.5 (MANE Select); coding-DNA position 443, G replaced by A.
Protein change: p.Arg148His; replaces arginine 148 with histidine.
Molecular consequence: missense variant. On other transcripts: non-coding transcript variant (1).
Genome position (GRCh38, 1-based): chr16:30,902,376, G>A. VCF-style: chr16-30902376-G-A. GRCh37 (hg19) VCF-style: chr16-30913697-G-A.
Other names: c.440G>A, p.Arg147His (NM_001142544.3); short protein forms R148H, R147H.
Identifiers: ClinVar variation 2079001 (VCV002079001.4), dbSNP rs769217611, ClinGen allele CA395619241.

ClinVar aggregate classification (germline): Uncertain significance (1 of 4 stars; one submission).

gnomAD v4.1: 3 of 1,199,788 alleles (0.00025%); highest among the groups gnomAD compares: Admixed American, 0.0045%; no homozygotes.

Submission:

Labcorp Genetics (formerly Invitae), Labcorp
Classification: Uncertain significance. Last evaluated: 2025-02-17. Review status: criteria provided, single submitter. Criteria: Invitae Variant Classification Sherloc (09022015). Collection method: clinical testing. Allele origin: germline.
Comment: This sequence change replaces arginine, which is basic and polar, with histidine, which is basic and polar, at codon 148 of the CTF1 protein (p.Arg148His). The frequency data for this variant in the population databases is considered unreliable, as metrics indicate insufficient coverage at this position in the gnomAD database. This variant has not been reported in the literature in individuals affected with CTF1-related conditions. ClinVar contains an entry for this variant (Variation ID: 2079001). An algorithm developed to predict the effect of missense changes on protein structure and function (PolyPhen-2) suggests that this variant is likely to be disruptive. In summary, the available evidence is currently insufficient to determine the role of this variant in disease. Therefore, it has been classified as a Variant of Uncertain Significance.